The following is an entry in ClinVar:

ClinVar aggregate classification (germline): Benign. Review status: criteria provided, multiple submitters, no conflicts (2 of 4 stars). 5 submissions from 5 submitters: Benign (5). Last evaluated 2026-06-16.

Conditions:
Emery-Dreifuss muscular dystrophy 5, autosomal dominant (EDMD5). Also called: EMERY-DREIFUSS MUSCULAR DYSTROPHY 5. Identifiers: Orphanet 261, MedGen C2751805, MONDO:0013072, OMIM 612999.
SYNE2-related disorder. Also called: SYNE2-related condition.

Allele frequency attached by ClinVar (database versions not stated): gnomAD exomes 0.00209; ExAC 0.00269; 1000 Genomes Project 0.00859; gnomAD 0.00866; 1000 Genomes Project 30x 0.00890; TOPMed 0.00931; ESP Exome Variant Server 0.00955.
gnomAD v4.1: 2,471 of 1,614,140 alleles (0.15%); highest among the groups gnomAD compares: African/African-American, 2.8%; 23 homozygotes.

Submissions (5):

PreventionGenetics, part of Exact Sciences
Classification: Benign for SYNE2-related condition. Last evaluated: 2026-06-16. Review status: criteria provided, single submitter. Criteria: ACMG Guidelines, 2015. Collection method: clinical testing. Allele origin: germline.
Comment: This variant is classified as benign based on ACMG/AMP sequence variant interpretation guidelines (Richards et al. 2015 PMID: 25741868, with internal and published modifications).

Labcorp Genetics (formerly Invitae), Labcorp
Classification: Benign for Emery-Dreifuss muscular dystrophy 5, autosomal dominant. Last evaluated: 2026-01-27. Review status: criteria provided, single submitter. Criteria: Invitae Variant Classification Sherloc (09022015). Collection method: clinical testing. Allele origin: germline.

Illumina Laboratory Services, Illumina
Classification: Benign for Emery-Dreifuss muscular dystrophy 5, autosomal dominant. Last evaluated: 2018-01-13. Review status: criteria provided, single submitter. Criteria: ICSL Variant Classification Criteria 13 December 2019. Collection method: clinical testing. Allele origin: germline.
Comment: This variant was observed in the ICSL laboratory as part of a predisposition screen in an ostensibly healthy population. It had not been previously curated by ICSL or reported in the Human Gene Mutation Database (HGMD: prior to June 1st, 2018), and was therefore a candidate for classification through an automated scoring system. Utilizing variant allele frequency, disease prevalence and penetrance estimates, and inheritance mode, an automated score was calculated to assess if this variant is too frequent to cause the disease. Based on the score and internal cut-off values, a variant classified as benign is not then subjected to further curation. The score for this variant resulted in a classification of benign for this disease.

Athena Diagnostics
Classification: Benign. Last evaluated: 2016-12-13. Review status: criteria provided, single submitter. Criteria: Athena Diagnostics Criteria. Collection method: clinical testing. Allele origin: germline.

Breakthrough Genomics
Classification: Benign. Review status: criteria provided, single submitter. Criteria: ACMG Guidelines, 2015. Collection method: not provided. Allele origin: germline. Inheritance: Autosomal dominant inheritance. Affected: yes.

NM_182914.3(SYNE2):c.5187T>A (p.His1729Gln)

Gene: SYNE2 (spectrin repeat containing nuclear envelope protein 2; plus strand). Cytogenetic location: 14q23.2.
Variant type: single nucleotide variant.
Coding change: c.5187T>A on transcript NM_182914.3 (MANE Select); coding-DNA position 5187, T replaced by A.
Protein change: p.His1729Gln; replaces histidine 1729 with glutamine.
Molecular consequence: missense variant.
Genome position (GRCh38, 1-based): chr14:64,021,350, T>A. VCF-style: chr14-64021350-T-A. GRCh37 (hg19) VCF-style: chr14-64488068-T-A.
Other names: c.5187T>A, p.His1729Gln (NM_015180.6); short protein forms H1729Q.
Identifiers: ClinVar variation 313513 (VCV000313513.19), dbSNP rs116597541, ClinGen allele CA7220419.
Genomic context (GRCh38, chr14:64,021,350, plus strand): 5'-AACTTCATATATTTCATGATTTCAGGTCATGGAGTCCTCTATTTTGAACAAGATGGAACA[T>A]GTACAGAAGTGCTTAACAGGAGAATCCAACTGCCATGCACTCAGTGGCAGCACTGCTGAG-3'
Protein context (NP_878918.2, residues 1719-1739): MESSILNKME[His1729Gln]VQKCLTGESN